The following is an entry in ClinVar:

NM_001845.6(COL4A1):c.958-5dup

Gene: COL4A1 (collagen type IV alpha 1 chain; minus strand). Cytogenetic location: 13q34.
Variant type: Duplication.
Coding change: c.958-5dup on transcript NM_001845.6 (MANE Select); 5 bases into the intron before coding-DNA position 958, one base duplicated (T; older notation c.958-5dupT).
Molecular consequence: intron variant.
Genome position (GRCh38, 1-based): chr13:110,203,612, A duplicated on the plus strand (T on the coding strand, the reverse complement: COL4A1 is on the minus strand); the first of 4 consecutive A bases (chr13:110,203,612-110,203,615); duplicating any one gives the same sequence. VCF-style (leftmost placement, unchanged base first): chr13-110203611-C-CA. GRCh37 (hg19) VCF-style: chr13-110855958-C-CA.
Other names: c.958-5dup (NM_001303110.2); c.958-5dupT (NM_001845.5).
Identifiers: ClinVar variation 1532967 (VCV001532967.9), dbSNP rs749003041, ClinGen allele CA7048180.
Genomic context (GRCh38, chr13:110,203,611, plus strand): 5'-AGCACTCTTACTCACAATTCCAGGTGGGCCAGGAGGACCTGCTTCACCCTTTTCTCCCTA[C>CA]AAAAGAAAAAATAACTTTCCTTGCATATTCTTACTATAAAGATTGTCTTGCAGAAAGCAG-3'

ClinVar aggregate classification (germline): Benign. Review status: criteria provided, single submitter (1 of 4 stars). 2 submissions from 2 submitters: Benign (1). 1 of the submissions does not count toward it. Last evaluated 2025-10-09.

Conditions:
COL4A1-related disorder. Also called: COL4A1-related disorders; COL4A1-related condition. Identifiers: MedGen CN376119, MONDO:0800461.

Submissions (2):

Labcorp Genetics (formerly Invitae), Labcorp
Classification: Benign. Last evaluated: 2025-10-09. Review status: criteria provided, single submitter. Criteria: Invitae Variant Classification Sherloc (09022015). Collection method: clinical testing. Allele origin: germline.

PreventionGenetics, part of Exact Sciences
Classification: Likely benign for COL4A1-related condition. Last evaluated: 2024-09-27. Review status: no assertion criteria provided. Collection method: clinical testing. Allele origin: germline. Not counted in ClinVar's aggregate classification.
Comment: This variant is classified as likely benign based on ACMG/AMP sequence variant interpretation guidelines (Richards et al. 2015 PMID: 25741868, with internal and published modifications).